The following is an entry in ClinVar:

ClinVar aggregate classification (germline): Uncertain significance. Review status: criteria provided, multiple submitters, no conflicts (2 of 4 stars). 2 submissions from 2 submitters: Uncertain significance (2). Last evaluated 2023-09-23.

Conditions:
Acute lymphoid leukemia (ALL). Also called: Lymphoblastic leukemia; Acute lymphoblastic leukemia; Acute lymphocytic leukemia; Leukemia, acute lymphoblastic, somatic. Identifiers: Orphanet 513, MedGen C0023449, MONDO:0004967, OMIM 613065, HP:0006721.

Allele frequency attached by ClinVar (database versions not stated): gnomAD exomes below 0.00001; TOPMed 0.00004; gnomAD 0.00005.
gnomAD v4.1: 12 of 1,613,656 alleles (0.00074%); highest among the groups gnomAD compares: Admixed American, 0.02%; no homozygotes.

Submissions (2):

Genomic Diagnostics Laboratory, National Institute of Medical Genomics
Classification: Uncertain significance for Acute lymphoid leukemia. Last evaluated: 2023-09-23. Review status: criteria provided, single submitter. Criteria: AMP Guidelines, 2017. Collection method: clinical testing. Allele origin: somatic. Affected: yes.

Labcorp Genetics (formerly Invitae), Labcorp
Classification: Uncertain significance. Last evaluated: 2022-09-13. Review status: criteria provided, single submitter. Criteria: Invitae Variant Classification Sherloc (09022015). Collection method: clinical testing. Allele origin: germline.
Comment: This variant is present in population databases (no rsID available, gnomAD 0.01%). In summary, the available evidence is currently insufficient to determine the role of this variant in disease. Therefore, it has been classified as a Variant of Uncertain Significance. Algorithms developed to predict the effect of missense changes on protein structure and function are either unavailable or do not agree on the potential impact of this missense change (SIFT: "Not Available"; PolyPhen-2: "Benign"; Align-GVGD: "Not Available"). This variant has not been reported in the literature in individuals affected with IKZF1-related conditions. This sequence change replaces methionine, which is neutral and non-polar, with threonine, which is neutral and polar, at codon 9 of the IKZF1 protein (p.Met9Thr).

NM_006060.6(IKZF1):c.26T>C (p.Met9Thr)

Gene: IKZF1 (IKAROS family zinc finger 1; plus strand). Cytogenetic location: 7p12.2.
Variant type: single nucleotide variant.
Coding change: c.26T>C on transcript NM_006060.6 (MANE Select); coding-DNA position 26, T replaced by C.
Protein change: p.Met9Thr; replaces methionine 9 with threonine.
Molecular consequence: missense variant.
Genome position (GRCh38, 1-based): chr7:50,319,087, T>C. VCF-style: chr7-50319087-T-C. GRCh37 (hg19) VCF-style: chr7-50358683-T-C.
Other names: c.26T>C (NM_006060.5); c.26T>C, p.Met9Thr (NM_001220765.3, NM_001220767.2, NM_001220768.2 and 14 more transcripts); short protein forms M9T.
Identifiers: ClinVar variation 1977663 (VCV001977663.12), dbSNP rs964046541, ClinGen allele CA158660149.
Genomic context (GRCh38, chr7:50,319,087, plus strand): 5'-ATCCCTTCCTCTCTTTCTCAGATAACCTGAGGACCATGGATGCTGATGAGGGTCAAGACA[T>C]GTCCCAAGTTTCAGGTGAGACCTTATGAGATAGCTGTGTGGGAAGTTCATGAGAAAAGCT-3'
Protein context (NP_006051.1, residues 1-19): MDADEGQD[Met9Thr]SQVSGKESPP